The following is an entry in ClinVar:

NM_172107.4(KCNQ2):c.1657C>G (p.Arg553Gly)

Gene: KCNQ2 (potassium voltage-gated channel subfamily Q member 2; minus strand). Cytogenetic location: 20q13.33.
Variant type: single nucleotide variant.
Coding change: c.1657C>G on transcript NM_172107.4 (MANE Select); coding-DNA position 1657, C replaced by G.
Protein change: p.Arg553Gly; replaces arginine 553 with glycine.
Molecular consequence: missense variant.
Genome position (GRCh38, 1-based): chr20:63,413,556, G>C on the plus strand (C>G on the coding strand, the complement: KCNQ2 is on the minus strand). VCF-style: chr20-63413556-G-C. GRCh37 (hg19) VCF-style: chr20-62044909-G-C.
Other names: c.1603C>G, p.Arg535Gly (NM_001382235.1, NM_172106.3); c.1573C>G, p.Arg525Gly (NM_004518.6); c.1564C>G, p.Arg522Gly (NM_172108.5); short protein forms R522G, R525G, R535G, R553G.
Identifiers: ClinVar variation 1705411 (VCV001705411.1), dbSNP rs759584387, ClinGen allele CA409643979.
Genomic context (GRCh38, chr20:63,413,556, plus strand): 5'-CTGAGTACTGCTCGATGACGTCCATCACGTCGTAGGGCCGCAGGCTCTCCTTGAACTTCC[G>C]CTTGGACACCAGGAACCGCATGACACTGCAGGGGGGTGGGTGGGGCTGTGAGCCCTGGGC-3'
Protein context (NP_742105.1, residues 543-563): VCVMRFLVSK[Arg553Gly]KFKESLRPYD

ClinVar aggregate classification (germline): Likely pathogenic (1 of 4 stars; one submission).

Conditions:
Developmental and epileptic encephalopathy, 7 (DEE7). Also called: KCNQ2-Related Neonatal-Onset Developmental and Epileptic Encephalopathy (NEO-DEE); Early infantile epileptic encephalopathy 7; KCNQ2-Related Neonatal Epileptic Encephalopathy. Identifiers: Orphanet 439218, MedGen C3150986, MONDO:0013387, OMIM 613720.

Submission:

3billion
Classification: Likely pathogenic for Developmental and epileptic encephalopathy, 7. Last evaluated: 2022-09-01. Review status: criteria provided, single submitter. Criteria: ACMG Guidelines, 2015. Collection method: clinical testing. Allele origin: germline. Affected: yes. Observed: 1 heterozygote.
Comment: The variant is not observed in the gnomAD v2.1.1 dataset. Missense changes are a common disease-causing mechanism. In silico tool predictions suggest damaging effect of the variant on gene or gene product (REVEL: 0.91; 3Cnet: 0.99). Different missense changes at the same codon (p.Arg553Gln, p.Arg553Leu, p.Arg553Pro, p.Arg553Trp) have been reported as pathogenic/likely pathogenic with strong evidence (ClinVar ID: VCV000021767 , VCV000205913 , VCV000369805 , VCV000560650). Therefore, this variant is classified as Likely pathogenic according to the recommendation of ACMG/AMP guideline.